The following is an entry in ClinVar:

NM_000051.4(ATM):c.2125-15G>A

Gene: ATM (ATM serine/threonine kinase; plus strand). Cytogenetic location: 11q22.3.
Variant type: single nucleotide variant.
Coding change: c.2125-15G>A on transcript NM_000051.4 (MANE Select); 15 bases into the intron before coding-DNA position 2125, G replaced by A.
Molecular consequence: intron variant.
Genome position (GRCh38, 1-based): chr11:108,256,200, G>A. VCF-style: chr11-108256200-G-A. GRCh37 (hg19) VCF-style: chr11-108126927-G-A.
Other names: c.2125-15G>A (NM_001351834.2).
Identifiers: ClinVar variation 3253767 (VCV003253767.1), dbSNP rs2135391590.

ClinVar aggregate classification (germline): Likely benign (1 of 4 stars; one submission).

Conditions:
Familial cancer of breast. Also called: BREAST CANCER, FAMILIAL; Hereditary breast cancer; hereditary breast carcinoma. Identifiers: Orphanet 227535, MedGen C0346153, MONDO:0016419, OMIM 114480. Disease mechanism: loss of function.

Submission:

Myriad Genetics, Inc.
Classification: Likely benign for Familial cancer of breast. Last evaluated: 2024-05-07. Review status: criteria provided, single submitter. Criteria: Myriad Autosomal Dominant, Autosomal Recessive and X-Linked Classification Criteria (2023). Collection method: clinical testing. Allele origin: unknown.
Comment: This variant is considered likely benign. This variant is intronic and is not expected to impact mRNA splicing.